The following is an entry in ClinVar:

ClinVar aggregate classification (germline): Uncertain significance (1 of 4 stars; one submission).

Allele frequency attached by ClinVar (database versions not stated): gnomAD 0.00001.
gnomAD v4.1: 1 of 1,610,282 alleles (0.000062%); highest among the groups gnomAD compares: African/African-American, 0.0013%; no homozygotes.

Submission:

Labcorp Genetics (formerly Invitae), Labcorp
Classification: Uncertain significance. Last evaluated: 2023-12-13. Review status: criteria provided, single submitter. Criteria: Invitae Variant Classification Sherloc (09022015). Collection method: clinical testing. Allele origin: germline.
Comment: This sequence change replaces glycine, which is neutral and non-polar, with arginine, which is basic and polar, at codon 823 of the PLEKHM2 protein (p.Gly823Arg). This variant is not present in population databases (gnomAD no frequency). This variant has not been reported in the literature in individuals affected with PLEKHM2-related conditions. An algorithm developed to predict the effect of missense changes on protein structure and function (PolyPhen-2) suggests that this variant is likely to be disruptive. In summary, the available evidence is currently insufficient to determine the role of this variant in disease. Therefore, it has been classified as a Variant of Uncertain Significance.

NM_015164.4(PLEKHM2):c.2467G>C (p.Gly823Arg)

Gene: PLEKHM2 (pleckstrin homology and RUN domain containing M2; plus strand). Cytogenetic location: 1p36.21.
Variant type: single nucleotide variant.
Coding change: c.2467G>C on transcript NM_015164.4 (MANE Select); coding-DNA position 2467, G replaced by C.
Protein change: p.Gly823Arg; replaces glycine 823 with arginine.
Molecular consequence: missense variant.
Genome position (GRCh38, 1-based): chr1:15,731,890, G>C. VCF-style: chr1-15731890-G-C. GRCh37 (hg19) VCF-style: chr1-16058385-G-C.
Other names: c.2407G>C, p.Gly803Arg (NM_001410755.1); short protein forms G823R, G803R.
Identifiers: ClinVar variation 2962852 (VCV002962852.3), dbSNP rs913977739, ClinGen allele CA18268348.